The following is an entry in ClinVar:

ClinVar aggregate classification (germline): Uncertain significance (1 of 4 stars; one submission).

Submissions (3):

Labcorp Genetics (formerly Invitae), Labcorp
Classification: Uncertain significance. Last evaluated: 2025-07-02. Review status: criteria provided, single submitter. Criteria: Invitae Variant Classification Sherloc (09022015). Collection method: clinical testing. Allele origin: germline.
Comment: This sequence change replaces aspartic acid, which is acidic and polar, with valine, which is neutral and non-polar, at codon 1102 of the POLA1 protein (p.Asp1102Val). This variant is not present in population databases (gnomAD no frequency). This variant has not been reported in the literature in individuals affected with POLA1-related conditions. ClinVar contains an entry for this variant (Variation ID: 3698530). Invitae Evidence Modeling of protein sequence and biophysical properties (such as structural, functional, and spatial information, amino acid conservation, physicochemical variation, residue mobility, and thermodynamic stability) indicates that this missense variant is expected to disrupt POLA1 protein function with a positive predictive value of 80%. In summary, the available evidence is currently insufficient to determine the role of this variant in disease. Therefore, it has been classified as a Variant of Uncertain Significance.

Dr. Peter K. Rogan Lab, Western University
No classification provided (evidence only). Condition: Thyroid cancer, nonmedullary, 1. Review status: no classification provided. Collection method: in vitro. Allele origin: not applicable. Functional consequence: retained intron. Not counted in ClinVar's aggregate classification.

Dr. Peter K. Rogan Lab, Western University
No classification provided (evidence only). Condition: Malignant tumor of esophagus. Review status: no classification provided. Collection method: in vitro. Allele origin: not applicable. Functional consequence: retained intron. Not counted in ClinVar's aggregate classification.

NM_001330360.2(POLA1):c.3323A>T (p.Asp1108Val)

Gene: POLA1 (DNA polymerase alpha 1, catalytic subunit; plus strand). Cytogenetic location: Xp22.11.
Variant type: single nucleotide variant.
Coding change: c.3323A>T on transcript NM_001330360.2 (MANE Select); coding-DNA position 3323, A replaced by T.
Protein change: p.Asp1108Val; replaces aspartic acid 1108 with valine.
Molecular consequence: missense variant. On other transcripts: non-coding transcript variant (2).
Genome position (GRCh38, 1-based): chrX:24,815,005, A>T. VCF-style: chrX-24815005-A-T. GRCh37 (hg19) VCF-style: chrX-24833122-A-T.
Other names: c.3248A>T, p.Asp1083Val (NM_001378303.1); c.3305A>T, p.Asp1102Val (NM_016937.4); short protein forms D1083V, D1108V, D1102V.
Identifiers: ClinVar variation 3698530 (VCV003698530.3).
Genomic context (GRCh38, chrX:24,815,005, plus strand): 5'-TGTCTTTGTTTTGTTTTTTTTTTTTTTTTTGCAGCTTTGTGATTGGCCAGATTCTTTCTG[A>T]TCAAAGCCGGGACACTATAGTGGAAAACATTCAGAAGAGGCTGATAGAAATTGGAGAAAA-3'
Protein context (NP_001317289.1, residues 1098-1118): GNFVIGQILS[Asp1108Val]QSRDTIVENI